The following is an entry in ClinVar:

ClinVar aggregate classification (germline): Conflicting classifications of pathogenicity. Review status: criteria provided, conflicting classifications (1 of 4 stars). 2 submissions from 2 submitters: Uncertain significance (1); Likely benign (1). Last evaluated 2025-07-20.

Conditions:
Hereditary cancer-predisposing syndrome. Also called: Tumor predisposition; Hereditary Cancer Syndrome; Neoplastic Syndromes, Hereditary; Hereditary neoplastic syndrome. Identifiers: Orphanet 140162, MedGen C0027672, MeSH D009386, MONDO:0015356.
Hereditary breast ovarian cancer syndrome. Also called: Hereditary breast and ovarian cancer; Breast and ovarian cancer; Hereditary breast and/or ovarian cancer syndrome; Hereditary breast and ovarian cancer syndrome; BRCA1- and BRCA2-Associated Hereditary Breast and Ovarian Cancer; Hereditary breast and ovarian cancer syndrome (HBOC). Identifiers: Orphanet 145, MedGen C0677776, MeSH D061325, MONDO:0003582. Disease mechanism: loss of function.

gnomAD v4.1: 2 of 1,614,164 alleles (0.00012%); highest among the groups gnomAD compares: Non-Finnish European, 0.00017%; no homozygotes.

Submissions (2):

Labcorp Genetics (formerly Invitae), Labcorp
Classification: Uncertain significance for Hereditary breast ovarian cancer syndrome. Last evaluated: 2025-07-20. Review status: criteria provided, single submitter. Criteria: Invitae Variant Classification Sherloc (09022015). Collection method: clinical testing. Allele origin: germline.
Comment: This sequence change replaces aspartic acid, which is acidic and polar, with glycine, which is neutral and non-polar, at codon 2900 of the BRCA2 protein (p.Asp2900Gly). This variant is not present in population databases (gnomAD no frequency). This missense change has been observed in individual(s) with a personal and/or family history of breast and/or ovarian cancer (PMID: 24249303). ClinVar contains an entry for this variant (Variation ID: 822666). Invitae Evidence Modeling of protein sequence and biophysical properties (such as structural, functional, and spatial information, amino acid conservation, physicochemical variation, residue mobility, and thermodynamic stability) indicates that this missense variant is not expected to disrupt BRCA2 protein function with a negative predictive value of 95%. Experimental studies have shown that this missense change does not substantially affect BRCA2 function (PMID: 37731132). In summary, the available evidence is currently insufficient to determine the role of this variant in disease. Therefore, it has been classified as a Variant of Uncertain Significance.

Ambry Genetics
Classification: Likely benign for Hereditary cancer-predisposing syndrome. Last evaluated: 2025-05-15. Review status: criteria provided, single submitter. Criteria: Ambry Variant Classification Scheme 2023. Collection method: clinical testing. Allele origin: germline.

Literature cited by the submitters: PubMed 24249303 (cited by Labcorp Genetics (formerly Invitae), Labcorp and Ambry Genetics); PubMed 37731132 (cited by Labcorp Genetics (formerly Invitae), Labcorp); PubMed 25186627 (cited by Ambry Genetics); PubMed 29176636 (cited by Ambry Genetics).

NM_000059.4(BRCA2):c.8699A>G (p.Asp2900Gly)

Gene: BRCA2 (BRCA2 DNA repair associated; plus strand). Cytogenetic location: 13q13.1.
Variant type: single nucleotide variant.
Coding change: c.8699A>G on transcript NM_000059.4 (MANE Select); coding-DNA position 8699, A replaced by G.
Protein change: p.Asp2900Gly; replaces aspartic acid 2900 with glycine.
Molecular consequence: missense variant.
Genome position (GRCh38, 1-based): chr13:32,376,736, A>G. VCF-style: chr13-32376736-A-G. GRCh37 (hg19) VCF-style: chr13-32950873-A-G.
Other names: short protein forms D2900G.
Identifiers: ClinVar variation 822666 (VCV000822666.14), dbSNP rs398122712, ClinGen allele CA387754854.